The following is an entry in ClinVar:

NM_020937.4(FANCM):c.2339A>C (p.Glu780Ala)

Gene: FANCM (FA complementation group M; plus strand). Cytogenetic location: 14q21.2.
Variant type: single nucleotide variant.
Coding change: c.2339A>C on transcript NM_020937.4 (MANE Select); coding-DNA position 2339, A replaced by C.
Protein change: p.Glu780Ala; replaces glutamic acid 780 with alanine.
Molecular consequence: missense variant.
Genome position (GRCh38, 1-based): chr14:45,175,093, A>C. VCF-style: chr14-45175093-A-C. GRCh37 (hg19) VCF-style: chr14-45644296-A-C.
Other names: c.2339A>C (LRG_502t1, NM_020937.3); c.2261A>C, p.Glu754Ala (NM_001308133.2); short protein forms E780A, E754A.
Identifiers: ClinVar variation 313205 (VCV000313205.8), dbSNP rs149856496, ClinGen allele CA7169339.

ClinVar aggregate classification (germline): Uncertain significance. Review status: criteria provided, multiple submitters, no conflicts (2 of 4 stars). 2 submissions from 2 submitters: Uncertain significance (2). Last evaluated 2026-01-06.

Conditions:
Fanconi anemia (FA). Also called: Fanconi's anemia. Identifiers: Orphanet 84, MedGen C0015625, MeSH D005199, MONDO:0019391.

Allele frequency attached by ClinVar (database versions not stated): ExAC 0.00001; gnomAD 0.00001; TOPMed 0.00001; gnomAD exomes 0.00002 and 0.00008; ESP Exome Variant Server 0.00008.
gnomAD v4.1: 110 of 1,610,022 alleles (0.0068%); highest among the groups gnomAD compares: Non-Finnish European, 0.0092%; no homozygotes.

Submissions (2):

Labcorp Genetics (formerly Invitae), Labcorp
Classification: Uncertain significance for Fanconi anemia. Last evaluated: 2026-01-06. Review status: criteria provided, single submitter. Criteria: Invitae Variant Classification Sherloc (09022015). Collection method: clinical testing. Allele origin: germline.
Comment: This sequence change replaces glutamic acid, which is acidic and polar, with alanine, which is neutral and non-polar, at codon 780 of the FANCM protein (p.Glu780Ala). This variant is present in population databases (rs149856496, gnomAD 0.005%). This variant has not been reported in the literature in individuals affected with FANCM-related conditions. ClinVar contains an entry for this variant (Variation ID: 313205). An algorithm developed to predict the effect of missense changes on protein structure and function (PolyPhen-2) suggests that this variant is likely to be disruptive. In summary, the available evidence is currently insufficient to determine the role of this variant in disease. Therefore, it has been classified as a Variant of Uncertain Significance.

Quest Diagnostics Nichols Institute San Juan Capistrano
Classification: Uncertain significance. Last evaluated: 2024-04-15. Review status: criteria provided, single submitter. Criteria: Quest Diagnostics criteria. Collection method: clinical testing. Allele origin: unknown.
Comment: The FANCM c.2339A>C (p.Glu780Ala) variant has been reported in the published literature in individuals with breast cancer (PMID: 33471991 (2021), see also LOVD), in an individual with acute lymphoblastic leukemia (PMID: 35739278 (2022)), and in reportedly healthy individuals (PMIDs: 36707629 (2023) and 33471991 (2021), see also LOVD). The frequency of this variant in the general population, 0.000047 (6/128464 chromosomes (Genome Aggregation Database)), is uninformative in the assessment of its pathogenicity. Analysis of this variant using bioinformatics tools for the prediction of the effect of amino acid changes on protein structure and function yielded predictions that this variant is benign. Based on the available information, we are unable to determine the clinical significance of this variant.

Literature cited by the submitters: PubMed 33471991 (cited by Quest Diagnostics Nichols Institute San Juan Capistrano); PubMed 35739278 (cited by Quest Diagnostics Nichols Institute San Juan Capistrano); PubMed 36707629 (cited by Quest Diagnostics Nichols Institute San Juan Capistrano); PubMed 37349538 (cited by Quest Diagnostics Nichols Institute San Juan Capistrano).